The following is an entry in ClinVar:

ClinVar aggregate classification (germline): Likely benign. Review status: criteria provided, multiple submitters, no conflicts (2 of 4 stars). 5 submissions from 5 submitters: Likely benign (5). Last evaluated 2026-06-01.

Conditions:
FOXE3-related disorder. Also called: FOXE3-related condition.
Congenital primary aphakia. Also called: ANTERIOR SEGMENT DYSGENESIS 2; Anterior segment dysgenesis 2, multiple subtypes. Identifiers: Orphanet 83461, MedGen C1853230, MONDO:0012456, OMIM 610256.
Anterior segment dysgenesis. Also called: Ocular anterior segment dysgenesis. Identifiers: Orphanet 88632, MedGen C1862839, MONDO:0019503, HP:0007700.
Cardiovascular phenotype. Identifiers: MedGen CN230736.

Allele frequency attached by ClinVar (database versions not stated): gnomAD 0.00004; gnomAD exomes 0.00008.

Submissions (5):

CeGaT Center for Human Genetics Tuebingen
Classification: Likely benign. Last evaluated: 2026-06-01. Review status: criteria provided, single submitter. Criteria: CeGaT Center For Human Genetics Tuebingen Variant Classification Criteria Version 2. Collection method: clinical testing. Allele origin: germline. Affected: yes. Observed: 1 variant allele.
Comment: FOXE3: BP4, BP7

Labcorp Genetics (formerly Invitae), Labcorp
Classification: Likely benign for Anterior segment dysgenesis; Congenital primary aphakia. Last evaluated: 2026-01-11. Review status: criteria provided, single submitter. Criteria: Invitae Variant Classification Sherloc (09022015). Collection method: clinical testing. Allele origin: germline.

PreventionGenetics, part of Exact Sciences
Classification: Likely benign for FOXE3-related condition. Last evaluated: 2025-03-11. Review status: criteria provided, single submitter. Criteria: ACMG Guidelines, 2015. Collection method: clinical testing. Allele origin: germline.
Comment: This variant is classified as likely benign based on ACMG/AMP sequence variant interpretation guidelines (Richards et al. 2015 PMID: 25741868, with internal and published modifications).

Blueprint Genetics
Classification: Likely benign. Last evaluated: 2024-05-31. Review status: criteria provided, single submitter. Criteria: ACMG Guidelines, 2015. Collection method: clinical testing. Allele origin: germline.

Ambry Genetics
Classification: Likely benign for Cardiovascular phenotype. Last evaluated: 2021-04-29. Review status: criteria provided, single submitter. Criteria: Ambry Variant Classification Scheme 2023. Collection method: clinical testing. Allele origin: germline.

NM_012186.3(FOXE3):c.585C>G (p.Pro195=)

Genes: FOXE3 (forkhead box E3; plus strand), LINC01389 (long independently transcribed non-coding RNA 1389; minus strand). Cytogenetic location: 1p33.
Variant type: single nucleotide variant.
Coding change: c.585C>G on transcript NM_012186.3 (MANE Select); coding-DNA position 585, C replaced by G.
Protein change: p.Pro195=; no amino-acid change (proline 195 retained).
Molecular consequence: synonymous variant.
Genome position (GRCh38, 1-based): chr1:47,416,900, C>G. VCF-style: chr1-47416900-C-G. GRCh37 (hg19) VCF-style: chr1-47882572-C-G.
Identifiers: ClinVar variation 1132817 (VCV001132817.15), dbSNP rs890514968, ClinGen allele CA22069123.